The following is an entry in ClinVar:

NM_002476.2(MYL4):c.136A>G (p.Ile46Val)

Gene: MYL4 (myosin light chain 4; plus strand). Cytogenetic location: 17q21.32.
Variant type: single nucleotide variant.
Coding change: c.136A>G on transcript NM_002476.2 (MANE Select); coding-DNA position 136, A replaced by G.
Protein change: p.Ile46Val; replaces isoleucine 46 with valine.
Molecular consequence: missense variant.
Genome position (GRCh38, 1-based): chr17:47,213,799, A>G. VCF-style: chr17-47213799-A-G. GRCh37 (hg19) VCF-style: chr17-45291165-A-G.
Other names: c.136A>G (NM_001002841.1); c.136A>G, p.Ile46Val (NM_001002841.2); short protein forms I46V.
Identifiers: ClinVar variation 1025818 (VCV001025818.8), dbSNP rs140603047, ClinGen allele CA8622617.

ClinVar aggregate classification (germline): Uncertain significance. Review status: criteria provided, multiple submitters, no conflicts (2 of 4 stars). 2 submissions from 2 submitters: Uncertain significance (2). Last evaluated 2025-07-22.

Conditions:
Atrial fibrillation, familial, 18 (ATFB18). Identifiers: MedGen C4310636, MONDO:0015001, OMIM 617280.

Allele frequency attached by ClinVar (database versions not stated): ExAC 0.00002; TOPMed 0.00003; gnomAD 0.00004; ESP Exome Variant Server 0.00023.
gnomAD v4.1: 84 of 1,613,958 alleles (0.0052%); highest among the groups gnomAD compares: Non-Finnish European, 0.0064%; no homozygotes.

Submissions (2):

Labcorp Genetics (formerly Invitae), Labcorp
Classification: Uncertain significance for Atrial fibrillation, familial, 18. Last evaluated: 2025-07-22. Review status: criteria provided, single submitter. Criteria: Invitae Variant Classification Sherloc (09022015). Collection method: clinical testing. Allele origin: germline.
Comment: This sequence change replaces isoleucine, which is neutral and non-polar, with valine, which is neutral and non-polar, at codon 46 of the MYL4 protein (p.Ile46Val). This variant is present in population databases (rs140603047, gnomAD 0.01%). This variant has not been reported in the literature in individuals affected with MYL4-related conditions. ClinVar contains an entry for this variant (Variation ID: 1025818). An algorithm developed to predict the effect of missense changes on protein structure and function (PolyPhen-2) suggests that this variant is likely to be tolerated. In summary, the available evidence is currently insufficient to determine the role of this variant in disease. Therefore, it has been classified as a Variant of Uncertain Significance.

Ambry Genetics
Classification: Uncertain significance. Last evaluated: 2024-11-20. Review status: criteria provided, single submitter. Criteria: Ambry Variant Classification Scheme 2023. Collection method: clinical testing. Allele origin: germline.